The following is an entry in ClinVar:

ClinVar aggregate classification (germline): Uncertain significance. Review status: criteria provided, multiple submitters, no conflicts (2 of 4 stars). 2 submissions from 2 submitters: Uncertain significance (2). Last evaluated 2025-11-08.

Conditions:
Inborn genetic diseases. Identifiers: MedGen C0950123, MeSH D030342.

gnomAD v4.1: 5 of 1,613,990 alleles (0.00031%); highest among the groups gnomAD compares: East Asian, 0.0045%; no homozygotes.

Submissions (2):

Ambry Genetics
Classification: Uncertain significance for Inborn genetic diseases. Last evaluated: 2025-11-08. Review status: criteria provided, single submitter. Criteria: Ambry Variant Classification Scheme 2023. Collection method: clinical testing. Allele origin: germline.

Labcorp Genetics (formerly Invitae), Labcorp
Classification: Uncertain significance. Last evaluated: 2022-05-08. Review status: criteria provided, single submitter. Criteria: Invitae Variant Classification Sherloc (09022015). Collection method: clinical testing. Allele origin: germline.
Comment: This sequence change replaces asparagine, which is neutral and polar, with lysine, which is basic and polar, at codon 16 of the PDE6C protein (p.Asn16Lys). This variant is not present in population databases (gnomAD no frequency). This variant has not been reported in the literature in individuals affected with PDE6C-related conditions. Algorithms developed to predict the effect of missense changes on protein structure and function are either unavailable or do not agree on the potential impact of this missense change (SIFT: "Tolerated"; PolyPhen-2: "Possibly Damaging"; Align-GVGD: "Class C0"). In summary, the available evidence is currently insufficient to determine the role of this variant in disease. Therefore, it has been classified as a Variant of Uncertain Significance.

NM_006204.4(PDE6C):c.48C>A (p.Asn16Lys)

Gene: PDE6C (phosphodiesterase 6C; plus strand). Cytogenetic location: 10q23.33.
Variant type: single nucleotide variant.
Coding change: c.48C>A on transcript NM_006204.4 (MANE Select); coding-DNA position 48, C replaced by A.
Protein change: p.Asn16Lys; replaces asparagine 16 with lysine.
Molecular consequence: missense variant.
Genome position (GRCh38, 1-based): chr10:93,612,773, C>A. VCF-style: chr10-93612773-C-A. GRCh37 (hg19) VCF-style: chr10-95372530-C-A.
Other names: c.48C>A (NM_006204.3); short protein forms N16K.
Identifiers: ClinVar variation 1934201 (VCV001934201.3), dbSNP rs1460337124, ClinGen allele CA377621478.